The following is an entry in ClinVar:

NM_001330078.2(NRXN1):c.1536G>C (p.Glu512Asp)

Gene: NRXN1 (neurexin 1; minus strand). Cytogenetic location: 2p16.3.
Variant type: single nucleotide variant.
Coding change: c.1536G>C on transcript NM_001330078.2 (MANE Select); coding-DNA position 1536, G replaced by C.
Protein change: p.Glu512Asp; replaces glutamic acid 512 with aspartic acid.
Molecular consequence: missense variant.
Genome position (GRCh38, 1-based): chr2:50,552,810, C>G on the plus strand (G>C on the coding strand, the complement: NRXN1 is on the minus strand). VCF-style: chr2-50552810-C-G. GRCh37 (hg19) VCF-style: chr2-50779948-C-G.
Other names: c.1656G>C, p.Glu552Asp (NM_001135659.3); c.1512G>C, p.Glu504Asp (NM_001330077.2, NM_001330082.2, NM_001330095.2); c.1497G>C, p.Glu499Asp (NM_001330083.2, NM_001330084.2); c.1536G>C, p.Glu512Asp (NM_001330085.2, NM_001330086.2, NM_004801.6); c.1452G>C, p.Glu484Asp (NM_001330087.2, NM_001330096.2); c.1482G>C, p.Glu494Asp (NM_001330088.2); c.1533G>C, p.Glu511Asp (NM_001330093.2); c.1524G>C, p.Glu508Asp (NM_001330094.2); short protein forms E484D, E494D, E499D, E504D, E508D, E511D, E512D, E552D.
Identifiers: ClinVar variation 3770001 (VCV003770001.1).

ClinVar aggregate classification (germline): Uncertain significance (1 of 4 stars; one submission).

gnomAD v4.1: 2 of 1,613,898 alleles (0.00012%); highest among the groups gnomAD compares: Non-Finnish European, 0.00017%; no homozygotes.

Submission:

GeneDx
Classification: Uncertain significance. Last evaluated: 2024-09-12. Review status: criteria provided, single submitter. Criteria: GeneDx Variant Classification Process June 2021. Collection method: clinical testing. Allele origin: germline. Affected: yes.
Comment: Not observed at significant frequency in large population cohorts (gnomAD); In silico analysis supports that this missense variant has a deleterious effect on protein structure/function; Has not been previously published as pathogenic or benign to our knowledge